The following is an entry in ClinVar:

ClinVar aggregate classification (germline): Conflicting classifications of pathogenicity. Review status: criteria provided, conflicting classifications (1 of 4 stars). 4 submissions from 4 submitters: Uncertain significance (3); Likely benign (1). Last evaluated 2025-12-22.

Conditions:
Hereditary hemochromatosis (HFE). Identifiers: MedGen C0392514, MONDO:0006507. Disease mechanism: loss of function.
TFR2-related disorder. Also called: TFR2-related condition.
Inborn genetic diseases. Identifiers: MedGen C0950123, MeSH D030342.
Hemochromatosis type 3 (HFE3). Also called: Hereditary hemochromatosis type 3; TFR2-Related Hemochromatosis; HEMOCHROMATOSIS DUE TO DEFECT IN TRANSFERRIN RECEPTOR 2. Identifiers: Orphanet 225123, MedGen C1858664, MONDO:0011417, OMIM 604250.

Allele frequency attached by ClinVar (database versions not stated): gnomAD exomes 0.00004 and 0.00009; ExAC 0.00007; gnomAD 0.00010; TOPMed 0.00012; ESP Exome Variant Server 0.00015.
gnomAD v4.1: 81 of 1,612,858 alleles (0.005%); highest among the groups gnomAD compares: Admixed American, 0.033%; no homozygotes.

Submissions (4):

Labcorp Genetics (formerly Invitae), Labcorp
Classification: Likely benign for Hereditary hemochromatosis. Last evaluated: 2025-12-22. Review status: criteria provided, single submitter. Criteria: Invitae Variant Classification Sherloc (09022015). Collection method: clinical testing. Allele origin: germline.

PreventionGenetics, part of Exact Sciences
Classification: Uncertain significance for TFR2-related condition. Last evaluated: 2025-09-12. Review status: criteria provided, single submitter. Criteria: ACMG Guidelines, 2015. Collection method: clinical testing. Allele origin: germline.
Comment: The TFR2 c.1252G>A variant is predicted to result in the amino acid substitution p.Glu418Lys. To our knowledge, this variant has not been reported in the literature. This variant is reported in 0.048% of alleles in individuals of Ashkenazi Jewish descent in gnomAD. At this time, the clinical significance of this variant is uncertain due to the absence of conclusive functional and genetic evidence.

Ambry Genetics
Classification: Uncertain significance for Inborn genetic diseases. Last evaluated: 2024-12-07. Review status: criteria provided, single submitter. Criteria: Ambry Variant Classification Scheme 2023. Collection method: clinical testing. Allele origin: germline.

Illumina Laboratory Services, Illumina
Classification: Uncertain significance for Hemochromatosis type 3. Last evaluated: 2018-01-12. Review status: criteria provided, single submitter. Criteria: ICSL Variant Classification Criteria 13 December 2019. Collection method: clinical testing. Allele origin: germline.

NM_003227.4(TFR2):c.1252G>A (p.Glu418Lys)

Gene: TFR2 (transferrin receptor 2; minus strand). Cytogenetic location: 7q22.1.
Variant type: single nucleotide variant.
Coding change: c.1252G>A on transcript NM_003227.4 (MANE Select); coding-DNA position 1252, G replaced by A.
Protein change: p.Glu418Lys; replaces glutamic acid 418 with lysine.
Molecular consequence: missense variant.
Genome position (GRCh38, 1-based): chr7:100,630,907, C>T on the plus strand (G>A on the coding strand, the complement: TFR2 is on the minus strand). VCF-style: chr7-100630907-C-T. GRCh37 (hg19) VCF-style: chr7-100228530-C-T.
Other names: c.739G>A, p.Glu247Lys (NM_001206855.3); short protein forms E418K, E247K.
Identifiers: ClinVar variation 358291 (VCV000358291.11), dbSNP rs139383159, ClinGen allele CA4386519.